The following is an entry in ClinVar:

ClinVar aggregate classification (germline): Uncertain significance (1 of 4 stars; one submission).

gnomAD v4.1: 4 of 1,613,410 alleles (0.00025%); highest among the groups gnomAD compares: South Asian, 0.0033%; 1 homozygote.

Submission:

Ambry Genetics
Classification: Uncertain significance. Last evaluated: 2025-11-20. Review status: criteria provided, single submitter. Criteria: Ambry Variant Classification Scheme 2023. Collection method: clinical testing. Allele origin: germline.
Comment: The c.266A>G (p.N89S) alteration is located in exon 4 (coding exon 3) of the ATP6V1G3 gene. This alteration results from a A to G substitution at nucleotide position 266, causing the asparagine (N) at amino acid position 89 to be replaced by a serine (S). Based on data from gnomAD, the G allele has an overall frequency of <0.001% (1/250650) total alleles studied. The highest observed frequency was 0.003% (1/30580) of South Asian alleles. Based on insufficient or conflicting evidence, the clinical significance of this alteration remains unclear.

NM_001376861.1(ATP6V1G3):c.266A>G (p.Asn89Ser)

Gene: ATP6V1G3 (ATPase H+ transporting V1 subunit G3; minus strand). Cytogenetic location: 1q31.3.
Variant type: single nucleotide variant.
Coding change: c.266A>G on transcript NM_001376861.1 (MANE Select); coding-DNA position 266, A replaced by G.
Protein change: p.Asn89Ser; replaces asparagine 89 with serine.
Molecular consequence: missense variant. On other transcripts: 3 prime UTR variant (2).
Genome position (GRCh38, 1-based): chr1:198,523,482, T>C on the plus strand (A>G on the coding strand, the complement: ATP6V1G3 is on the minus strand). VCF-style: chr1-198523482-T-C. GRCh37 (hg19) VCF-style: chr1-198492612-T-C.
Other names: c.284A>G, p.Asn95Ser (NM_001320218.2, NM_001376862.1); c.*132A>G (NM_001376863.1, NM_133326.2); c.266A>G, p.Asn89Ser (NM_133262.3); short protein forms N89S, N95S.
Identifiers: ClinVar variation 4644405 (VCV004644405.1).